The following is an entry in ClinVar:

NM_001320752.2(STS):c.170G>A (p.Gly57Glu)

Gene: STS (steroid sulfatase; plus strand). Cytogenetic location: Xp22.31.
Variant type: single nucleotide variant.
Coding change: c.170G>A on transcript NM_001320752.2 (MANE Select); coding-DNA position 170, G replaced by A.
Protein change: p.Gly57Glu; replaces glycine 57 with glutamic acid.
Molecular consequence: missense variant.
Genome position (GRCh38, 1-based): chrX:7,257,274, G>A. VCF-style: chrX-7257274-G-A. GRCh37 (hg19) VCF-style: chrX-7175315-G-A.
Other names: c.170G>A, p.Gly57Glu (NM_000351.7, NM_001320753.2, NM_001320754.2); c.206G>A, p.Gly69Glu (NM_001320750.3, NM_001320751.2); short protein forms G69E, G57E.
Identifiers: ClinVar variation 1810494 (VCV001810494.1), dbSNP rs2518617848, ClinGen allele CA412019273.
Genomic context (GRCh38, chrX:7,257,274, plus strand): 5'-CACAAATGCTATGATTCTTTTGTTCTAGGACTCCCAATATCGACCGGTTGGCCAGTGGGG[G>A]AGTGAAACTCACTCAGCACCTGGCAGCATCACCGCTGTGCACACCAAGCAGGGCAGCCTT-3'
Protein context (NP_001307681.2, residues 47-67): TPNIDRLASG[Gly57Glu]VKLTQHLAAS

ClinVar aggregate classification (germline): Uncertain significance (1 of 4 stars; one submission).

Submission:

GeneDx
Classification: Uncertain significance. Last evaluated: 2022-07-06. Review status: criteria provided, single submitter. Criteria: GeneDx Variant Classification Process June 2021. Collection method: clinical testing. Allele origin: germline. Affected: yes.
Comment: Not observed at significant frequency in large population cohorts (gnomAD); In silico analysis supports that this missense variant has a deleterious effect on protein structure/function; Has not been previously published as pathogenic or benign to our knowledge; A different missense change at this residue (p.G62R) has been reported in the published literature in association with ichthyosis (Ohyama et al., 2019)